The following is an entry in ClinVar:

ClinVar aggregate classification (germline): Uncertain significance (1 of 4 stars; one submission).

Conditions:
Inborn genetic diseases. Identifiers: MedGen C0950123, MeSH D030342.

Submission:

Ambry Genetics
Classification: Uncertain significance for Inborn genetic diseases. Last evaluated: 2024-07-13. Review status: criteria provided, single submitter. Criteria: Ambry Variant Classification Scheme 2023. Collection method: clinical testing. Allele origin: germline.
Comment: The p.A352T variant (also known as c.1054G>A), located in coding exon 9 of the LRRK2 gene, results from a G to A substitution at nucleotide position 1054. The alanine at codon 352 is replaced by threonine, an amino acid with similar properties. This amino acid position is conserved. In addition, this alteration is predicted to be tolerated by in silico analysis. Based on the available evidence, the clinical significance of this variant remains unclear.

NM_198578.4(LRRK2):c.1054G>A (p.Ala352Thr)

Gene: LRRK2 (leucine rich repeat kinase 2; plus strand). Cytogenetic location: 12q12.
Variant type: single nucleotide variant.
Coding change: c.1054G>A on transcript NM_198578.4 (MANE Select); coding-DNA position 1054, G replaced by A.
Protein change: p.Ala352Thr; replaces alanine 352 with threonine.
Molecular consequence: missense variant.
Genome position (GRCh38, 1-based): chr12:40,251,327, G>A. VCF-style: chr12-40251327-G-A. GRCh37 (hg19) VCF-style: chr12-40645129-G-A.
Other names: short protein forms A352T.
Identifiers: ClinVar variation 3540576 (VCV003540576.1).